The following is an entry in ClinVar:

ClinVar aggregate classification (germline): Likely benign. Review status: criteria provided, single submitter (1 of 4 stars). 2 submissions from 2 submitters: Likely benign (1). 1 of the submissions does not count toward it. Last evaluated 2025-08-03.

Conditions:
DMXL2-related disorder. Also called: DMXL2-related condition.

gnomAD v4.1: 4 of 1,613,826 alleles (0.00025%); highest among the groups gnomAD compares: African/African-American, 0.0013%; no homozygotes.

Submissions (2):

Labcorp Genetics (formerly Invitae), Labcorp
Classification: Likely benign. Last evaluated: 2025-08-03. Review status: criteria provided, single submitter. Criteria: Invitae Variant Classification Sherloc (09022015). Collection method: clinical testing. Allele origin: germline.

PreventionGenetics, part of Exact Sciences
Classification: Likely benign for DMXL2-related condition. Last evaluated: 2019-03-29. Review status: no assertion criteria provided. Collection method: clinical testing. Allele origin: germline. Not counted in ClinVar's aggregate classification.
Comment: This variant is classified as likely benign based on ACMG/AMP sequence variant interpretation guidelines (Richards et al. 2015 PMID: 25741868, with internal and published modifications).

NM_001378457.1(DMXL2):c.6165A>G (p.Leu2055=)

Gene: DMXL2 (Dmx like 2; minus strand). Cytogenetic location: 15q21.2.
Variant type: single nucleotide variant.
Coding change: c.6165A>G on transcript NM_001378457.1 (MANE Select); coding-DNA position 6165, A replaced by G.
Protein change: p.Leu2055=; no amino-acid change (leucine 2055 retained).
Molecular consequence: synonymous variant. On other transcripts: non-coding transcript variant (2).
Genome position (GRCh38, 1-based): chr15:51,480,941, T>C on the plus strand (A>G on the coding strand, the complement: DMXL2 is on the minus strand). VCF-style: chr15-51480941-T-C. GRCh37 (hg19) VCF-style: chr15-51773138-T-C.
Other names: c.6165A>G, p.Leu2055= (NM_001174116.3, NM_001378458.1, NM_001378459.1 and 4 more transcripts); c.4257A>G, p.Leu1419= (NM_001174117.3); c.4146A>G, p.Leu1382= (NM_001378460.1); c.5925A>G, p.Leu1975= (NM_001378464.1).
Identifiers: ClinVar variation 3057519 (VCV003057519.3), dbSNP rs1267758901, ClinGen allele CA490596852.